The following is an entry in ClinVar:

ClinVar aggregate classification (germline): Uncertain significance (1 of 4 stars; one submission).

Conditions:
Cardiovascular phenotype. Identifiers: MedGen CN230736.

Submission:

Ambry Genetics
Classification: Uncertain significance for Cardiovascular phenotype. Last evaluated: 2025-06-01. Review status: criteria provided, single submitter. Criteria: Ambry Variant Classification Scheme 2023. Collection method: clinical testing. Allele origin: germline.
Comment: The p.Y441H variant (also known as c.1321T>C), located in coding exon 1 of the DOLK gene, results from a T to C substitution at nucleotide position 1321. The tyrosine at codon 441 is replaced by histidine, an amino acid with similar properties. This amino acid position is conserved. In addition, this alteration is predicted to be deleterious by in silico analysis. Based on the available evidence, the clinical significance of this variant remains unclear.

NM_014908.4(DOLK):c.1321T>C (p.Tyr441His)

Gene: DOLK (dolichol kinase; minus strand). Cytogenetic location: 9q34.11.
Variant type: single nucleotide variant.
Coding change: c.1321T>C on transcript NM_014908.4 (MANE Select); coding-DNA position 1321, T replaced by C.
Protein change: p.Tyr441His; replaces tyrosine 441 with histidine.
Molecular consequence: missense variant.
Genome position (GRCh38, 1-based): chr9:128,945,983, A>G on the plus strand (T>C on the coding strand, the complement: DOLK is on the minus strand). VCF-style: chr9-128945983-A-G. GRCh37 (hg19) VCF-style: chr9-131708262-A-G.
Other names: short protein forms Y441H.
Identifiers: ClinVar variation 4014383 (VCV004014383.1).